The following is an entry in ClinVar:

NM_005732.4(RAD50):c.3237A>T (p.Lys1079Asn)

Gene: RAD50 (RAD50 double strand break repair protein; plus strand). Cytogenetic location: 5q31.1.
Variant type: single nucleotide variant.
Coding change: c.3237A>T on transcript NM_005732.4 (MANE Select); coding-DNA position 3237, A replaced by T.
Protein change: p.Lys1079Asn; replaces lysine 1079 with asparagine.
Molecular consequence: missense variant.
Genome position (GRCh38, 1-based): chr5:132,618,142, A>T. VCF-style: chr5-132618142-A-T. GRCh37 (hg19) VCF-style: chr5-131953834-A-T.
Other names: short protein forms K1079N.
Identifiers: ClinVar variation 1501939 (VCV001501939.10), dbSNP rs1561650823, ClinGen allele CA360964442.

ClinVar aggregate classification (germline): Uncertain significance. Review status: criteria provided, multiple submitters, no conflicts (2 of 4 stars). 2 submissions from 2 submitters: Uncertain significance (2). Last evaluated 2022-04-07.

Conditions:
Hereditary cancer-predisposing syndrome. Also called: Hereditary neoplastic syndrome; Tumor predisposition; Neoplastic Syndromes, Hereditary; Hereditary Cancer Syndrome. Identifiers: Orphanet 140162, MedGen C0027672, MeSH D009386, MONDO:0015356.

Submissions (2):

Ambry Genetics
Classification: Uncertain significance for Hereditary cancer-predisposing syndrome. Last evaluated: 2022-04-07. Review status: criteria provided, single submitter. Criteria: Ambry Variant Classification Scheme 2023. Collection method: clinical testing. Allele origin: germline.
Comment: The p.K1079N variant (also known as c.3237A>T), located in coding exon 21 of the RAD50 gene, results from an A to T substitution at nucleotide position 3237. The lysine at codon 1079 is replaced by asparagine, an amino acid with similar properties. This amino acid position is conserved. In addition, this alteration is predicted to be tolerated by in silico analysis. Since supporting evidence is limited at this time, the clinical significance of this alteration remains unclear.

Labcorp Genetics (formerly Invitae), Labcorp
Classification: Uncertain significance for Hereditary cancer-predisposing syndrome. Last evaluated: 2021-06-28. Review status: criteria provided, single submitter. Criteria: Invitae Variant Classification Sherloc (09022015). Collection method: clinical testing. Allele origin: germline.
Comment: This variant has not been reported in the literature in individuals with RAD50-related conditions. This variant is not present in population databases (ExAC no frequency). This sequence change replaces lysine with asparagine at codon 1079 of the RAD50 protein (p.Lys1079Asn). The lysine residue is moderately conserved and there is a moderate physicochemical difference between lysine and asparagine. Algorithms developed to predict the effect of missense changes on protein structure and function (SIFT, PolyPhen-2, Align-GVGD) all suggest that this variant is likely to be tolerated, but these predictions have not been confirmed by published functional studies and their clinical significance is uncertain. In summary, the available evidence is currently insufficient to determine the role of this variant in disease. Therefore, it has been classified as a Variant of Uncertain Significance.